The following is an entry in ClinVar:

NM_001042702.5(PJVK):c.716del (p.Thr239fs)

Gene: PJVK (pejvakin; plus strand). Cytogenetic location: 2q31.2.
Variant type: Deletion.
Coding change: c.716del on transcript NM_001042702.5 (MANE Select); coding-DNA position 716, one base deleted (C; older notation c.716delC).
Protein change: p.Thr239fs; shifts the reading frame from threonine 239.
Molecular consequence: frameshift variant. On other transcripts: intron variant (1).
Genome position (GRCh38, 1-based): chr2:178,460,396, C deleted. VCF-style (leftmost placement, unchanged base first): chr2-178460395-AC-A. GRCh37 (hg19) VCF-style: chr2-179325122-AC-A.
Other names: c.725del, p.Thr242fs (NM_001353775.2); c.239del, p.Thr80fs (NM_001353777.1, NM_001353778.2); c.716del, p.Thr239fs (NM_001369912.1); c.773-586del (NM_001353776.2); short protein forms T242fs, T239fs, T80fs.
Identifiers: ClinVar variation 2762251 (VCV002762251.3), dbSNP rs768015966, ClinGen allele CA1984269.

ClinVar aggregate classification (germline): Pathogenic (1 of 4 stars; one submission).

Allele frequency attached by ClinVar (database versions not stated): gnomAD exomes below 0.00001; ExAC 0.00001.

Submission:

Labcorp Genetics (formerly Invitae), Labcorp
Classification: Pathogenic. Last evaluated: 2023-10-23. Review status: criteria provided, single submitter. Criteria: Invitae Variant Classification Sherloc (09022015). Collection method: clinical testing. Allele origin: germline.
Comment: This sequence change creates a premature translational stop signal (p.Thr239Argfs*10) in the DFNB59 gene. While this is not anticipated to result in nonsense mediated decay, it is expected to disrupt the last 114 amino acid(s) of the DFNB59 protein. This variant is present in population databases (rs768015966, gnomAD 0.02%). This variant has not been reported in the literature in individuals affected with DFNB59-related conditions. Algorithms developed to predict the effect of sequence changes on RNA splicing suggest that this variant may disrupt the consensus splice site. This variant disrupts a region of the DFNB59 protein in which other variant(s) (p.Val330Leufs*7) have been determined to be pathogenic (PMID: 17718865). This suggests that this is a clinically significant region of the protein, and that variants that disrupt it are likely to be disease-causing. For these reasons, this variant has been classified as Pathogenic.

Literature cited by the submitters: PubMed 17718865.